The following is an entry in ClinVar:

ClinVar aggregate classification (germline): Uncertain significance (1 of 4 stars; one submission).

gnomAD v4.1: 89 of 1,566,212 alleles (0.0057%); highest among the groups gnomAD compares: Non-Finnish European, 0.0076%; no homozygotes.

Submission:

Ambry Genetics
Classification: Uncertain significance. Last evaluated: 2024-12-22. Review status: criteria provided, single submitter. Criteria: Ambry Variant Classification Scheme 2023. Collection method: clinical testing. Allele origin: germline.
Comment: The p.R1946Q variant (also known as c.5837G>A), located in coding exon 23 of the WNK2 gene, results from a G to A substitution at nucleotide position 5837. The arginine at codon 1946 is replaced by glutamine, an amino acid with highly similar properties. This amino acid position is conserved. In addition, the in silico prediction for this alteration is inconclusive. Based on the available evidence, the clinical significance of this variant remains unclear.

NM_006648.4(WNK2):c.5837G>A (p.Arg1946Gln)

Gene: WNK2 (WNK lysine deficient protein kinase 2; plus strand). Cytogenetic location: 9q22.31.
Variant type: single nucleotide variant.
Coding change: c.5837G>A on transcript NM_006648.4 (MANE Select); coding-DNA position 5837, G replaced by A.
Protein change: p.Arg1946Gln; replaces arginine 1946 with glutamine.
Molecular consequence: missense variant.
Genome position (GRCh38, 1-based): chr9:93,297,981, G>A. VCF-style: chr9-93297981-G-A. GRCh37 (hg19) VCF-style: chr9-96060263-G-A.
Other names: c.5948G>A, p.Arg1983Gln (NM_001282394.3); short protein forms R1946Q, R1983Q.
Identifiers: ClinVar variation 3470739 (VCV003470739.2).